The following is an entry in ClinVar:

ClinVar aggregate classification (germline): Conflicting classifications of pathogenicity. Review status: criteria provided, conflicting classifications (1 of 4 stars). 5 submissions from 5 submitters: Uncertain significance (1); Benign (1); Likely benign (1). 2 of the submissions do not count toward it. Last evaluated 2026-07-01.

Conditions:
SPHEROCYTOSIS, TYPE 1, AUTOSOMAL RECESSIVE. Identifiers: MedGen C4017275.

Allele frequency attached by ClinVar (database versions not stated): gnomAD 0.01622 and 0.01664; 1000 Genomes Project 0.01058; 1000 Genomes Project 30x 0.01046; TOPMed 0.01621.
gnomAD v4.1: 21,796 of 1,200,424 alleles (1.8%); highest among the groups gnomAD compares: Non-Finnish European, 2%; 209 homozygotes.

Submissions (5):

CeGaT Center for Human Genetics Tuebingen
Classification: Benign. Last evaluated: 2026-07-01. Review status: criteria provided, single submitter. Criteria: CeGaT Center For Human Genetics Tuebingen Variant Classification Criteria Version 2. Collection method: clinical testing. Allele origin: germline. Affected: yes. Observed: 15 variant alleles.
Comment: ANK1: BS1, BS2

Mayo Clinic Laboratories, Mayo Clinic
Classification: Uncertain significance. Last evaluated: 2025-07-14. Review status: criteria provided, single submitter. Criteria: ACMG Guidelines, 2015. Collection method: clinical testing. Allele origin: germline. Observed: 23 variant alleles.
Comment: BS1, BS2, BP4, BP7

Blueprint Genetics
Classification: Likely benign. Last evaluated: 2023-03-20. Review status: criteria provided, single submitter. Criteria: ACMG Guidelines, 2015. Collection method: clinical testing. Allele origin: germline.

Reproductive Health Research and Development, BGI Genomics
Classification: Benign for Spherocytosis, type 1, autosomal recessive. Last evaluated: 2020-01-06. Review status: no assertion criteria provided. Collection method: curation. Allele origin: germline. Not counted in ClinVar's aggregate classification.
Comment: NG_012820.1(NM_001142446.2):c.127-39554G>A in the ANK1 gene has an allele frequency of 0.02 in African subpopulation in the gnomAD database. 6 homozygous occurrences are observed in the gnomAD database. This variant was reported as -153G-A in a hereditary spherocytosis patient (PMID: 11102985). Benign computational verdict because benign prediction from DANN. Taken together, we interprete this variant as Benign/Likely benign variant. ACMG/AMP criteria applied: BS1, BS2, BP4.

OMIM
Classification: Pathogenic for SPHEROCYTOSIS, TYPE 1, AUTOSOMAL RECESSIVE. Last evaluated: 2000-12-01. Review status: no assertion criteria provided. Collection method: literature only. Allele origin: germline. Not counted in ClinVar's aggregate classification.

Literature cited by the submitters: PubMed 11102985 (cited by Mayo Clinic Laboratories, Mayo Clinic and OMIM); PubMed 11527968 (cited by Mayo Clinic Laboratories, Mayo Clinic); PubMed 21099109 (cited by Mayo Clinic Laboratories, Mayo Clinic); PubMed 9887280 (cited by Mayo Clinic Laboratories, Mayo Clinic).

NG_012820.2(ANK1):g.104072G>A

Gene: ANK1 (ankyrin 1; minus strand). Cytogenetic location: 8p11.21.
Variant type: single nucleotide variant.
Molecular consequence: genic upstream transcript variant (on NM_000037.4). On other transcripts: intron variant (1).
Genome position: GRCh38 VCF-style: chr8-41797691-C-T. GRCh37 (hg19) VCF-style: chr8-41655209-C-T.
Other names: p.?; -153G-A, PROMOTER; c.-153G>A (NM_000037.4); c.127-39554G>A (NM_001142446.2).
Identifiers: ClinVar variation 512 (VCV000000512.30), dbSNP rs183894680, ClinGen allele CA212746.